The following is an entry in ClinVar:

NM_003482.4(KMT2D):c.13258C>T (p.Arg4420Trp)

Gene: KMT2D (lysine methyltransferase 2D; minus strand). Cytogenetic location: 12q13.12.
Variant type: single nucleotide variant.
Coding change: c.13258C>T on transcript NM_003482.4 (MANE Select); coding-DNA position 13258, C replaced by T.
Protein change: p.Arg4420Trp; replaces arginine 4420 with tryptophan.
Molecular consequence: missense variant.
Genome position (GRCh38, 1-based): chr12:49,031,447, G>A on the plus strand (C>T on the coding strand, the complement: KMT2D is on the minus strand). VCF-style: chr12-49031447-G-A. GRCh37 (hg19) VCF-style: chr12-49425230-G-A.
Other names: c.13258C>T (NM_003482.3); short protein forms R4420W.
Identifiers: ClinVar variation 1350722 (VCV001350722.9), dbSNP rs199797812, ClinGen allele CA6546054.
Genomic context (GRCh38, chr12:49,031,447, plus strand): 5'-TTGGCTCCCCATTGGCCTCCCTCTTCACTGACTGGGCTCCCAGGGCACATGGCTCTTCCC[G>A]AGGTTCCTGCTTGATGCTGAGTTGGGATGCCTCAGGCACCACCTGTCCATTCACCTGGTC-3'
Protein context (NP_003473.3, residues 4410-4430): ASQLSIKQEP[Arg4420Trp]EEPCALGAQS

ClinVar aggregate classification (germline): Likely benign. Review status: criteria provided, multiple submitters, no conflicts (2 of 4 stars). 2 submissions from 2 submitters: Likely benign (2). Last evaluated 2025-10-11.

Conditions:
KMT2D-related disorder. Also called: KMT2D-Related Disorders.
Kabuki syndrome. Also called: NIIKAWA-KUROKI SYNDROME; Kabuki make-up syndrome. Identifiers: Orphanet 2322, MedGen C0796004, MONDO:0016512.

Allele frequency attached by ClinVar (database versions not stated): gnomAD 0.00001; TOPMed 0.00001; gnomAD exomes 0.00004; ExAC 0.00006; 1000 Genomes Project 30x 0.00016; 1000 Genomes Project 0.00020.

Submissions (2):

Labcorp Genetics (formerly Invitae), Labcorp
Classification: Likely benign for Kabuki syndrome. Last evaluated: 2025-10-11. Review status: criteria provided, single submitter. Criteria: Invitae Variant Classification Sherloc (09022015). Collection method: clinical testing. Allele origin: germline.

PreventionGenetics, part of Exact Sciences
Classification: Likely benign for KMT2D-related condition. Last evaluated: 2024-12-23. Review status: criteria provided, single submitter. Criteria: ACMG Guidelines, 2015. Collection method: clinical testing. Allele origin: germline.
Comment: This variant is classified as likely benign based on ACMG/AMP sequence variant interpretation guidelines (Richards et al. 2015 PMID: 25741868, with internal and published modifications).